The following is an entry in ClinVar:

NM_001807.6(CEL):c.2193T>C (p.Ser731=)

Gene: CEL (carboxyl ester lipase; plus strand). Cytogenetic location: 9q34.13.
Variant type: single nucleotide variant.
Coding change: c.2193T>C on transcript NM_001807.6 (MANE Select); coding-DNA position 2193, T replaced by C.
Protein change: p.Ser731=; no amino-acid change (serine 731 retained).
Molecular consequence: synonymous variant.
Genome position (GRCh38, 1-based): chr9:133,071,695, T>C. VCF-style: chr9-133071695-T-C. GRCh37 (hg19) VCF-style: chr9-135947082-T-C.
Identifiers: ClinVar variation 4533453 (VCV004533453.6).

ClinVar aggregate classification (germline): Likely benign (1 of 4 stars; one submission).

Submission:

CeGaT Center for Human Genetics Tuebingen
Classification: Likely benign. Last evaluated: 2025-11-01. Review status: criteria provided, single submitter. Criteria: CeGaT Center For Human Genetics Tuebingen Variant Classification Criteria Version 2. Collection method: clinical testing. Allele origin: germline. Affected: yes. Observed: 1 variant allele.
Comment: CEL: BP4, BP7